The following is an entry in ClinVar:

ClinVar aggregate classification (germline): Uncertain significance (1 of 4 stars; one submission).

Submission:

Mayo Clinic Laboratories, Mayo Clinic
Classification: Uncertain significance. Last evaluated: 2025-10-16. Review status: criteria provided, single submitter. Criteria: ACMG Guidelines, 2015. Collection method: clinical testing. Allele origin: germline. Observed: 1 variant allele.
Comment: PP2, PP3, PM2_supporting

NM_000138.5(FBN1):c.706A>T (p.Ile236Phe)

Gene: FBN1 (fibrillin 1; minus strand). Cytogenetic location: 15q21.1.
Variant type: single nucleotide variant.
Coding change: c.706A>T on transcript NM_000138.5 (MANE Select); coding-DNA position 706, A replaced by T.
Protein change: p.Ile236Phe; replaces isoleucine 236 with phenylalanine.
Molecular consequence: missense variant.
Genome position (GRCh38, 1-based): chr15:48,537,641, T>A on the plus strand (A>T on the coding strand, the complement: FBN1 is on the minus strand). VCF-style: chr15-48537641-T-A. GRCh37 (hg19) VCF-style: chr15-48829838-T-A.
Other names: p.Ile236Phe; c.706A>T, p.Ile236Phe (NM_001406716.1, NM_001406717.1); short protein forms I236F.
Identifiers: ClinVar variation 4541948 (VCV004541948.1).
Genomic context (GRCh38, chr15:48,537,641, plus strand): 5'-CCATTAATAATTCCATCAGCCCGGGTTTACCTTGACAAGCTCCCGTGCGGATATTTGGAA[T>A]GAAGCCACGGCGGCAGGGGTGAGGCTGGGCAGGACACATCTCACAGGGGTGGCCCCAGGC-3'
Protein context (NP_000129.3, residues 226-246): AQPHPCRRGF[Ile236Phe]PNIRTGACQD